The following is an entry in ClinVar:

ClinVar aggregate classification (germline): Uncertain significance (1 of 4 stars; one submission).

Conditions:
Pyridoxal phosphate-responsive seizures (PNPOD). Also called: Pyridoxamine 5-Prime-Phosphate Oxidase Deficiency; Pyridoxine-5'-phosphate oxidase deficiency; Pyridoxal 5'-Phosphate (PLP)-Dependent Epilepsy; EPILEPTIC ENCEPHALOPATHY, NEONATAL, PNPO-RELATED; SEIZURES, PYRIDOXINE-RESISTANT, PLP-SENSITIVE. Identifiers: Orphanet 79096, MedGen C1864723, MONDO:0012407, OMIM 610090. Disease mechanism: loss of function.

Allele frequency attached by ClinVar (database versions not stated): gnomAD exomes below 0.00001.
gnomAD v4.1: 6 of 1,613,598 alleles (0.00037%); highest among the groups gnomAD compares: Non-Finnish European, 0.00042%; no homozygotes.

Submission:

Labcorp Genetics (formerly Invitae), Labcorp
Classification: Uncertain significance for Pyridoxal phosphate-responsive seizures. Last evaluated: 2021-09-01. Review status: criteria provided, single submitter. Criteria: Invitae Variant Classification Sherloc (09022015). Collection method: clinical testing. Allele origin: germline.
Comment: This sequence change replaces glycine with glutamic acid at codon 90 of the PNPO protein (p.Gly90Glu). The glycine residue is highly conserved and there is a moderate physicochemical difference between glycine and glutamic acid. This variant is not present in population databases (ExAC no frequency). This variant has not been reported in the literature in individuals affected with PNPO-related conditions. Algorithms developed to predict the effect of missense changes on protein structure and function are either unavailable or do not agree on the potential impact of this missense change (SIFT: "Tolerated"; PolyPhen-2: "Probably Damaging"; Align-GVGD: "Class C0"). In summary, the available evidence is currently insufficient to determine the role of this variant in disease. Therefore, it has been classified as a Variant of Uncertain Significance.

NM_018129.4(PNPO):c.269G>A (p.Gly90Glu)

Gene: PNPO (pyridoxamine 5'-phosphate oxidase; plus strand). Cytogenetic location: 17q21.32.
Variant type: single nucleotide variant.
Coding change: c.269G>A on transcript NM_018129.4 (MANE Select); coding-DNA position 269, G replaced by A.
Protein change: p.Gly90Glu; replaces glycine 90 with glutamic acid.
Molecular consequence: missense variant.
Genome position (GRCh38, 1-based): chr17:47,944,621, G>A. VCF-style: chr17-47944621-G-A. GRCh37 (hg19) VCF-style: chr17-46021987-G-A.
Other names: short protein forms G90E.
Identifiers: ClinVar variation 1047538 (VCV001047538.6), dbSNP rs1489587035, ClinGen allele CA400056857.